The following is an entry in ClinVar:

ClinVar aggregate classification (germline): Conflicting classifications of pathogenicity. Review status: criteria provided, conflicting classifications (1 of 4 stars). 4 submissions from 4 submitters: Uncertain significance (2); Likely benign (2). Last evaluated 2023-08-04.

Conditions:
Hereditary cancer-predisposing syndrome. Also called: Neoplastic Syndromes, Hereditary; Tumor predisposition; Hereditary neoplastic syndrome; Hereditary Cancer Syndrome. Identifiers: Orphanet 140162, MedGen C0027672, MeSH D009386, MONDO:0015356.
Hereditary breast ovarian cancer syndrome. Also called: Hereditary breast and ovarian cancer syndrome; Hereditary breast and ovarian cancer syndrome (HBOC); BRCA1- and BRCA2-Associated Hereditary Breast and Ovarian Cancer; Hereditary breast and/or ovarian cancer syndrome; Hereditary breast and ovarian cancer; Breast and ovarian cancer. Identifiers: Orphanet 145, MedGen C0677776, MeSH D061325, MONDO:0003582. Disease mechanism: loss of function.

Submissions (4):

Labcorp Genetics (formerly Invitae), Labcorp
Classification: Uncertain significance for Hereditary breast ovarian cancer syndrome. Last evaluated: 2023-08-04. Review status: criteria provided, single submitter. Criteria: Invitae Variant Classification Sherloc (09022015). Collection method: clinical testing. Allele origin: germline.
Comment: In summary, the available evidence is currently insufficient to determine the role of this variant in disease. Therefore, it has been classified as a Variant of Uncertain Significance. Advanced modeling of protein sequence and biophysical properties (such as structural, functional, and spatial information, amino acid conservation, physicochemical variation, residue mobility, and thermodynamic stability) performed at Invitae indicates that this missense variant is not expected to disrupt BRCA1 protein function. ClinVar contains an entry for this variant (Variation ID: 580866). This variant has not been reported in the literature in individuals affected with BRCA1-related conditions. This variant is not present in population databases (gnomAD no frequency). This sequence change replaces isoleucine, which is neutral and non-polar, with valine, which is neutral and non-polar, at codon 562 of the BRCA1 protein (p.Ile562Val).

University of Washington Department of Laboratory Medicine, University of Washington
Classification: Likely benign for Hereditary cancer-predisposing syndrome. Last evaluated: 2023-03-23. Review status: criteria provided, single submitter. Criteria: Dines et al. (Genet Med. 2020). Collection method: curation. Allele origin: germline.
Comment: Missense variant in a coldspot region where missense variants are very unlikely to be pathogenic (PMID:31911673).

BRCA1 coldspot (exon 11 using historical exon numbering). Reclassification based on statistical prior probability

Ambry Genetics
Classification: Likely benign for Hereditary cancer-predisposing syndrome. Last evaluated: 2022-03-04. Review status: criteria provided, single submitter. Criteria: Ambry Variant Classification Scheme 2023. Collection method: clinical testing. Allele origin: germline.

Color Diagnostics, LLC DBA Color Health
Classification: Uncertain significance for Hereditary cancer-predisposing syndrome. Last evaluated: 2019-05-16. Review status: criteria provided, single submitter. Criteria: ACMG Guidelines, 2015. Collection method: clinical testing. Allele origin: germline.

NM_007294.4(BRCA1):c.1684A>G (p.Ile562Val)

Gene: BRCA1 (BRCA1 DNA repair associated; minus strand). Cytogenetic location: 17q21.31.
Variant type: single nucleotide variant.
Coding change: c.1684A>G on transcript NM_007294.4 (MANE Select); coding-DNA position 1684, A replaced by G.
Protein change: p.Ile562Val; replaces isoleucine 562 with valine.
Molecular consequence: missense variant. On other transcripts: intron variant (137).
Genome position (GRCh38, 1-based): chr17:43,093,847, T>C on the plus strand (A>G on the coding strand, the complement: BRCA1 is on the minus strand). VCF-style: chr17-43093847-T-C. GRCh37 (hg19) VCF-style: chr17-41245864-T-C.
Other names: c.1351A>G, p.Ile451Val (NM_001407949.1, NM_001407950.1, NM_001407953.1 and 6 more transcripts); c.1348A>G, p.Ile450Val (NM_001407954.1, NM_001407956.1, NM_001407955.1 and 1 more transcripts); c.1684A>G, p.Ile562Val (NM_001407639.1, NM_001407640.1, NM_001407641.1 and 30 more transcripts); c.1681A>G, p.Ile561Val (NM_001407644.1, NM_001407645.1, NM_001407860.1 and 22 more transcripts); c.1675A>G, p.Ile559Val (NM_001407646.1, NM_001407647.1); c.1561A>G, p.Ile521Val (NM_001407648.1, NM_001407664.1, NM_001407665.1 and 19 more transcripts); c.1558A>G, p.Ile520Val (NM_001407649.1, NM_001407670.1, NM_001407671.1 and 11 more transcripts); c.1606A>G, p.Ile536Val (NM_001407653.1, NM_001407654.1, NM_001407655.1 and 4 more transcripts); and 40 more; short protein forms I562V, I515V, I394V, I494V, I495V, I520V, I535V, I536V.
Identifiers: ClinVar variation 580866 (VCV000580866.16), dbSNP rs1567798727, ClinGen allele CA10598663.
Genomic context (GRCh38, chr17:43,093,847, plus strand): 5'-TTTTGAAAGCAGATTCTTTTTCGAGTGATTCTATTGGGTTAGGATTTTTCTCATTCTGAA[T>C]AGAATCACCTTTTGTTTTATTCTCATGACCACTATTAGTAATATTCATCACTTGACCATT-3'
Protein context (NP_009225.1, residues 552-572): GHENKTKGDS[Ile562Val]QNEKNPNPIE